The following is an entry in ClinVar:

NM_000179.3(MSH6):c.2676T>G (p.Ser892=)

Gene: MSH6 (mutS homolog 6; plus strand). Cytogenetic location: 2p16.3.
Variant type: single nucleotide variant.
Coding change: c.2676T>G on transcript NM_000179.3 (MANE Select); coding-DNA position 2676, T replaced by G.
Protein change: p.Ser892=; no amino-acid change (serine 892 retained).
Molecular consequence: synonymous variant.
Genome position (GRCh38, 1-based): chr2:47,800,659, T>G. VCF-style: chr2-47800659-T-G. GRCh37 (hg19) VCF-style: chr2-48027798-T-G.
Other names: c.2286T>G, p.Ser762= (NM_001281492.2); c.1770T>G, p.Ser590= (NM_001281493.2, NM_001281494.2).
Identifiers: ClinVar variation 215646 (VCV000215646.21), dbSNP rs863224329, ClinGen allele CA337793.

ClinVar aggregate classification (germline): Benign/Likely benign. Review status: criteria provided, multiple submitters, no conflicts (2 of 4 stars). 6 submissions from 6 submitters: Benign (1); Likely benign (5). Last evaluated 2024-12-31.

Conditions:
Hereditary cancer-predisposing syndrome. Also called: Hereditary neoplastic syndrome; Neoplastic Syndromes, Hereditary; Tumor predisposition; Hereditary Cancer Syndrome. Identifiers: Orphanet 140162, MedGen C0027672, MeSH D009386, MONDO:0015356.
Hereditary nonpolyposis colorectal neoplasms. Identifiers: MedGen C0009405, MeSH D003123.
Breast and/or ovarian cancer. Identifiers: MedGen CN221562.
Lynch syndrome. Identifiers: Orphanet 144, MedGen C4552100, MONDO:0005835. Disease mechanism: loss of function.
Lynch syndrome 5 (LYNCH5). Also called: Colorectal cancer, hereditary nonpolyposis, type 5; Hereditary non-polyposis colorectal cancer, type 5. Identifiers: Orphanet 144, MedGen C1833477, MONDO:0013710, OMIM 614350. Disease mechanism: loss of function.

Allele frequency attached by ClinVar (database versions not stated): gnomAD 0.00001; gnomAD exomes 0.00001.
gnomAD v4.1: 10 of 1,614,090 alleles (0.00062%); highest among the groups gnomAD compares: Non-Finnish European, 0.00076%; no homozygotes.

Submissions (6):

Myriad Genetics, Inc.
Classification: Benign for Lynch syndrome 5. Last evaluated: 2024-12-31. Review status: criteria provided, single submitter. Criteria: Myriad Autosomal Dominant, Autosomal Recessive and X-Linked Classification Criteria (2023). Collection method: clinical testing. Allele origin: unknown.
Comment: This variant is considered benign. This variant is a silent/synonymous amino acid change and it is not expected to impact splicing.

Labcorp Genetics (formerly Invitae), Labcorp
Classification: Likely benign for Hereditary nonpolyposis colorectal neoplasms. Last evaluated: 2024-10-31. Review status: criteria provided, single submitter. Criteria: Invitae Variant Classification Sherloc (09022015). Collection method: clinical testing. Allele origin: germline.

All of Us Research Program, National Institutes of Health
Classification: Likely benign for Lynch syndrome. Last evaluated: 2023-12-01. Review status: criteria provided, single submitter. Criteria: ACMG Guidelines, 2015. Collection method: clinical testing. Allele origin: germline. Inheritance: Autosomal dominant inheritance. Observed: 2 variant alleles, 2 heterozygotes.
Comment: This study involves interpretation of variants in research participants for the purpose of population health screening. Participant phenotype was not available at the time of variant classification. Additional details can be found in publication PMID: 35346344, PMCID: PMC8962531

Color Diagnostics, LLC DBA Color Health
Classification: Likely benign for Hereditary cancer-predisposing syndrome. Last evaluated: 2022-11-06. Review status: criteria provided, single submitter. Criteria: ACMG Guidelines, 2015. Collection method: clinical testing. Allele origin: germline.

CHEO Genetics Diagnostic Laboratory, Children's Hospital of Eastern Ontario
Classification: Likely benign for Breast and/or ovarian cancer. Last evaluated: 2019-12-04. Review status: criteria provided, single submitter. Criteria: ACMG Guidelines, 2015. Collection method: clinical testing. Allele origin: germline.

Ambry Genetics
Classification: Likely benign for Hereditary cancer-predisposing syndrome. Last evaluated: 2016-10-10. Review status: criteria provided, single submitter. Criteria: Ambry Variant Classification Scheme 2023. Collection method: clinical testing. Allele origin: germline.